The following is an entry in ClinVar:

NM_000718.4(CACNA1B):c.6689G>A (p.Arg2230His)

Gene: CACNA1B (calcium voltage-gated channel subunit alpha1 B; plus strand). Cytogenetic location: 9q34.3.
Variant type: single nucleotide variant.
Coding change: c.6689G>A on transcript NM_000718.4 (MANE Select); coding-DNA position 6689, G replaced by A.
Protein change: p.Arg2230His; replaces arginine 2230 with histidine.
Molecular consequence: missense variant.
Genome position (GRCh38, 1-based): chr9:138,121,668, G>A. VCF-style: chr9-138121668-G-A. GRCh37 (hg19) VCF-style: chr9-141016120-G-A.
Other names: c.6502G>A, p.Val2168Met (NM_001243812.2); short protein forms R2230H, V2168M.
Identifiers: ClinVar variation 2180952 (VCV002180952.3), dbSNP rs776434429, ClinGen allele CA5377786.

ClinVar aggregate classification (germline): Uncertain significance (1 of 4 stars; one submission).

Allele frequency attached by ClinVar (database versions not stated): ExAC 0.00001; gnomAD 0.00001; TOPMed 0.00001.
gnomAD v4.1: 12 of 1,612,932 alleles (0.00074%); highest among the groups gnomAD compares: Non-Finnish European, 0.001%; no homozygotes.

Submission:

Labcorp Genetics (formerly Invitae), Labcorp
Classification: Uncertain significance. Last evaluated: 2024-12-12. Review status: criteria provided, single submitter. Criteria: Invitae Variant Classification Sherloc (09022015). Collection method: clinical testing. Allele origin: germline.
Comment: This sequence change replaces arginine, which is basic and polar, with histidine, which is basic and polar, at codon 2230 of the CACNA1B protein (p.Arg2230His). This variant is present in population databases (rs776434429, gnomAD 0.0009%). This variant has not been reported in the literature in individuals affected with CACNA1B-related conditions. ClinVar contains an entry for this variant (Variation ID: 2180952). An algorithm developed to predict the effect of missense changes on protein structure and function (PolyPhen-2) suggests that this variant is likely to be disruptive. In summary, the available evidence is currently insufficient to determine the role of this variant in disease. Therefore, it has been classified as a Variant of Uncertain Significance.